The following is an entry in ClinVar:

NM_003102.4(SOD3):c.603G>A (p.Ala201=)

Gene: SOD3 (superoxide dismutase 3; plus strand). Cytogenetic location: 4p15.2.
Variant type: single nucleotide variant.
Coding change: c.603G>A on transcript NM_003102.4 (MANE Select); coding-DNA position 603, G replaced by A.
Protein change: p.Ala201=; no amino-acid change (alanine 201 retained).
Molecular consequence: synonymous variant.
Genome position (GRCh38, 1-based): chr4:24,800,124, G>A. VCF-style: chr4-24800124-G-A. GRCh37 (hg19) VCF-style: chr4-24801746-G-A.
Identifiers: ClinVar variation 3043458 (VCV003043458.16), dbSNP rs536277640, ClinGen allele CA2876301.
Genomic context (GRCh38, chr4:24,800,124, plus strand): 5'-CGCTGGCGAGGACGACCTGGGCCGCGGCGGCAACCAGGCCAGCGTGGAGAACGGGAACGC[G>A]GGCCGGCGGCTGGCCTGCTGCGTGGTGGGCGTGTGCGGGCCCGGGCTCTGGGAGCGCCAG-3'
Protein context (NP_003093.2, residues 191-211): GNQASVENGN[Ala201=]GRRLACCVVG

ClinVar aggregate classification (germline): Likely benign. Review status: criteria provided, single submitter (1 of 4 stars). 2 submissions from 2 submitters: Likely benign (1). 1 of the submissions does not count toward it. Last evaluated 2024-09-01.

Conditions:
SOD3-related disorder. Also called: SOD3-related condition.

Allele frequency attached by ClinVar (database versions not stated): 1000 Genomes Project 0.00120; gnomAD 0.00148; TOPMed 0.00159; 1000 Genomes Project 30x 0.00250.
gnomAD v4.1: 737 of 1,377,396 alleles (0.054%); highest among the groups gnomAD compares: African/African-American, 0.49%; 3 homozygotes.

Submissions (2):

CeGaT Center for Human Genetics Tuebingen
Classification: Likely benign. Last evaluated: 2024-09-01. Review status: criteria provided, single submitter. Criteria: CeGaT Center For Human Genetics Tuebingen Variant Classification Criteria Version 2. Collection method: clinical testing. Allele origin: germline. Affected: yes. Observed: 1 variant allele.
Comment: SOD3: BP4, BP7

PreventionGenetics, part of Exact Sciences
Classification: Likely benign for SOD3-related condition. Last evaluated: 2019-06-24. Review status: no assertion criteria provided. Collection method: clinical testing. Allele origin: germline. Not counted in ClinVar's aggregate classification.
Comment: This variant is classified as likely benign based on ACMG/AMP sequence variant interpretation guidelines (Richards et al. 2015 PMID: 25741868, with internal and published modifications).